The following is an entry in ClinVar:

ClinVar aggregate classification (germline): Conflicting classifications of pathogenicity. Review status: criteria provided, conflicting classifications (1 of 4 stars). 7 submissions from 6 submitters: Pathogenic (1); Likely pathogenic (2); Uncertain significance (3). 1 of the submissions does not count toward it. Last evaluated 2025-10-02.

Conditions:
GNE myopathy (NM). Also called: IBM 2; Inclusion body myopathy autosomal recessive; Inclusion body myopathy quadriceps sparing; NONAKA DISTAL MYOPATHY; INCLUSION BODY MYOPATHY 2, AUTOSOMAL RECESSIVE; MYOPATHY, DISTAL, WITH OR WITHOUT RIMMED VACUOLES. Identifiers: Orphanet 602, MedGen C1853926, MONDO:0011603, OMIM 605820.
Sialuria. Also called: SIALURIA, FRENCH TYPE; Sialic Acid Storage Disease. Identifiers: Orphanet 3166, MedGen C0342853, MONDO:0010028, OMIM 269921.

Allele frequency attached by ClinVar (database versions not stated): gnomAD exomes below 0.00001 and 0.00001; TOPMed 0.00001.
gnomAD v4.1: 8 of 1,610,276 alleles (0.0005%); highest among the groups gnomAD compares: South Asian, 0.0011%; no homozygotes.

Submissions (7):

Labcorp Genetics (formerly Invitae), Labcorp
Classification: Pathogenic for Sialuria; GNE myopathy. Last evaluated: 2025-10-02. Review status: criteria provided, single submitter. Criteria: Invitae Variant Classification Sherloc (09022015). Collection method: clinical testing. Allele origin: germline.
Comment: This sequence change creates a premature translational stop signal (p.Arg27*) in the GNE gene. It is expected to result in an absent or disrupted protein product. Loss-of-function variants in GNE are known to be pathogenic (PMID: 24027297). This variant is present in population databases (rs794727279, gnomAD 0.003%). This variant has not been reported in the literature in individuals affected with GNE-related conditions. ClinVar contains an entry for this variant (Variation ID: 195244). For these reasons, this variant has been classified as Pathogenic.

Revvity Omics, Revvity
Classification: Likely pathogenic. Last evaluated: 2024-10-08. Review status: criteria provided, single submitter. Criteria: ACMG Guidelines, 2015. Collection method: clinical testing. Allele origin: germline.

Women's Health and Genetics/Laboratory Corporation of America, LabCorp
Classification: Likely pathogenic for GNE myopathy. Last evaluated: 2023-02-24. Review status: criteria provided, single submitter. Criteria: LabCorp Variant Classification Summary - May 2015. Collection method: clinical testing. Allele origin: germline.
Comment: Variant summary: GNE c.79C>T (p.Arg27X) results in a premature termination codon, predicted to cause a truncation of the encoded protein or absence of the protein due to nonsense mediated decay, which are commonly known mechanisms for disease. Truncations downstream of this position have been classified as pathogenic by our laboratory and in ClinVar. The variant allele was found at a frequency of 4e-06 in 250480 control chromosomes (gnomAD). To our knowledge, no occurrence of c.79C>T in individuals affected with Inclusion Body Myopathy 2 and no experimental evidence demonstrating its impact on protein function have been reported. Four clinical diagnostic laboratories have submitted clinical-significance assessments for this variant to ClinVar after 2014 and classified the variant as VUS (n=4) and Pathogenic (n=1). Based on the evidence outlined above, the variant was classified as likely pathogenic.

Eurofins Ntd Llc (ga)
Classification: Uncertain significance. Last evaluated: 2018-03-09. Review status: criteria provided, single submitter. Criteria: EGL ClinVar v180209 classification definitions. Collection method: clinical testing. Allele origin: germline. Observed: 1 variant allele, 1 heterozygote.

Illumina Laboratory Services, Illumina
Classification: Uncertain significance for Sialuria. Last evaluated: 2018-01-13. Review status: criteria provided, single submitter. Criteria: ICSL Variant Classification Criteria 13 December 2019. Collection method: clinical testing. Allele origin: germline.

Illumina Laboratory Services, Illumina
Classification: Uncertain significance for GNE myopathy. Last evaluated: 2018-01-13. Review status: criteria provided, single submitter. Criteria: ICSL Variant Classification Criteria 13 December 2019. Collection method: clinical testing. Allele origin: germline.

Counsyl
Classification: Uncertain significance for GNE myopathy. Last evaluated: 2017-05-09. Review status: no assertion criteria provided. Collection method: clinical testing. Allele origin: unknown. Not counted in ClinVar's aggregate classification.

Literature cited by the submitters: PubMed 24027297 (cited by Labcorp Genetics (formerly Invitae), Labcorp).

NM_001128227.3(GNE):c.79C>T (p.Arg27Ter)

Gene: GNE (glucosamine (UDP-N-acetyl)-2-epimerase/N-acetylmannosamine kinase; minus strand). Cytogenetic location: 9p13.3.
Variant type: single nucleotide variant.
Coding change: c.79C>T on transcript NM_001128227.3 (MANE Plus Clinical); coding-DNA position 79, C replaced by T.
Protein change: p.Arg27Ter; replaces arginine 27 with a stop codon.
Molecular consequence: nonsense. On other transcripts: 5 prime UTR variant (3), intron variant (3).
Genome position (GRCh38, 1-based): chr9:36,249,370, G>A on the plus strand (C>T on the coding strand, the complement: GNE is on the minus strand). VCF-style: chr9-36249370-G-A. GRCh37 (hg19) VCF-style: chr9-36249367-G-A.
Other names: c.-15C>T (NM_001190383.3, NM_001374797.1, NM_005476.7); c.-13-2888C>T (NM_001190388.2, NM_001190384.3, NM_001374798.1); short protein forms R27*.
Identifiers: ClinVar variation 195244 (VCV000195244.20), dbSNP rs794727279, ClinGen allele CA241583.